The following is an entry in ClinVar:

ClinVar aggregate classification (germline): Uncertain significance (1 of 4 stars; one submission).

Submission:

Labcorp Genetics (formerly Invitae), Labcorp
Classification: Uncertain significance. Last evaluated: 2022-09-20. Review status: criteria provided, single submitter. Criteria: Invitae Variant Classification Sherloc (09022015). Collection method: clinical testing. Allele origin: germline.
Comment: This sequence change falls in intron 14 of the DNM1L gene. It does not directly change the encoded amino acid sequence of the DNM1L protein. It affects a nucleotide within the consensus splice site. This variant is not present in population databases (gnomAD no frequency). This variant has not been reported in the literature in individuals affected with DNM1L-related conditions. Variants that disrupt the consensus splice site are a relatively common cause of aberrant splicing (PMID: 17576681, 9536098). Algorithms developed to predict the effect of sequence changes on RNA splicing suggest that this variant is not likely to affect RNA splicing. In summary, the available evidence is currently insufficient to determine the role of this variant in disease. Therefore, it has been classified as a Variant of Uncertain Significance.

Literature cited by the submitters: PubMed 17576681; PubMed 9536098.

NM_012062.5(DNM1L):c.1596+2dup

Gene: DNM1L (dynamin 1 like; plus strand). Cytogenetic location: 12p11.21.
Variant type: Duplication.
Coding change: c.1596+2dup on transcript NM_012062.5 (MANE Select); the canonical splice donor site of the intron after coding-DNA position 1596, one base duplicated (T; older notation c.1596+2dupT).
Molecular consequence: splice donor variant.
Genome position (GRCh38, 1-based): chr12:32,737,163, T duplicated. VCF-style (leftmost placement, unchanged base first): chr12-32737162-G-GT. GRCh37 (hg19) VCF-style: chr12-32890096-G-GT.
Other names: c.1635+2dup (NM_001278464.2, NM_001278465.2, NM_001330380.2); c.987+2dup (NM_001278466.2); c.1596+2dup (NM_001278463.2, NM_012063.4, NM_005690.5).
Identifiers: ClinVar variation 2031457 (VCV002031457.4), dbSNP rs2541105240, ClinGen allele CA2580085362.